The following is an entry in ClinVar:

NM_001035.3(RYR2):c.1655C>T (p.Ser552Phe)

Gene: RYR2 (ryanodine receptor 2; plus strand). Cytogenetic location: 1q43.
Variant type: single nucleotide variant.
Coding change: c.1655C>T on transcript NM_001035.3 (MANE Select); coding-DNA position 1655, C replaced by T.
Protein change: p.Ser552Phe; replaces serine 552 with phenylalanine.
Molecular consequence: missense variant.
Genome position (GRCh38, 1-based): chr1:237,469,134, C>T. VCF-style: chr1-237469134-C-T. GRCh37 (hg19) VCF-style: chr1-237632434-C-T.
Other names: short protein forms S552F.
Identifiers: ClinVar variation 1044879 (VCV001044879.11), dbSNP rs1660402614, ClinGen allele CA345383780.
Genomic context (GRCh38, chr1:237,469,134, plus strand): 5'-CTATTTCTTCTTTTGCAGCGGCTCTAATTAGAGGAAATCGTAAAAACTGTGCTCAATTTT[C>T]TGGCTCCCTCGACTGGTTGATCAGCAGATTGGAAAGACTGGAAGCTTCTTCAGGTATGTT-3'
Protein context (NP_001026.2, residues 542-562): RGNRKNCAQF[Ser552Phe]GSLDWLISRL

ClinVar aggregate classification (germline): Uncertain significance. Review status: criteria provided, multiple submitters, no conflicts (2 of 4 stars). 2 submissions from 2 submitters: Uncertain significance (2). Last evaluated 2024-03-28.

Conditions:
Catecholaminergic polymorphic ventricular tachycardia 1. Also called: VENTRICULAR TACHYCARDIA, STRESS-INDUCED POLYMORPHIC 1; VENTRICULAR TACHYCARDIA, CATECHOLAMINERGIC POLYMORPHIC, 1, WITH OR WITHOUT ATRIAL DYSFUNCTION AND/OR DILATED CARDIOMYOPATHY; RYR2-Related Catecholaminergic Polymorphic Ventricular Tachycardia. Identifiers: Orphanet 3286, MedGen C1631597, MONDO:0011484, OMIM 604772.

Submissions (2):

Blueprint Genetics
Classification: Uncertain significance. Last evaluated: 2024-03-28. Review status: criteria provided, single submitter. Criteria: ACMG Guidelines, 2015. Collection method: clinical testing. Allele origin: germline.

Labcorp Genetics (formerly Invitae), Labcorp
Classification: Uncertain significance for Catecholaminergic polymorphic ventricular tachycardia 1. Last evaluated: 2020-04-07. Review status: criteria provided, single submitter. Criteria: Invitae Variant Classification Sherloc (09022015). Collection method: clinical testing. Allele origin: germline.
Comment: In summary, the available evidence is currently insufficient to determine the role of this variant in disease. Therefore, it has been classified as a Variant of Uncertain Significance. Algorithms developed to predict the effect of missense changes on protein structure and function (SIFT, PolyPhen-2, Align-GVGD) all suggest that this variant is likely to be disruptive, but these predictions have not been confirmed by published functional studies and their clinical significance is uncertain. This variant has not been reported in the literature in individuals with RYR2-related conditions. This variant is not present in population databases (ExAC no frequency). This sequence change replaces serine with phenylalanine at codon 552 of the RYR2 protein (p.Ser552Phe). The serine residue is highly conserved and there is a large physicochemical difference between serine and phenylalanine.